The following is an entry in ClinVar:

NM_000256.3(MYBPC3):c.2993A>G (p.Gln998Arg)

Gene: MYBPC3 (myosin binding protein C3; minus strand). Cytogenetic location: 11p11.2.
Variant type: single nucleotide variant.
Coding change: c.2993A>G on transcript NM_000256.3 (MANE Select); coding-DNA position 2993, A replaced by G.
Protein change: p.Gln998Arg; replaces glutamine 998 with arginine.
Molecular consequence: missense variant.
Genome position (GRCh38, 1-based): chr11:47,333,923, T>C on the plus strand (A>G on the coding strand, the complement: MYBPC3 is on the minus strand). VCF-style: chr11-47333923-T-C. GRCh37 (hg19) VCF-style: chr11-47355474-T-C.
Other names: short protein forms Q998R.
Identifiers: ClinVar variation 164052 (VCV000164052.15), dbSNP rs727503177, ClinGen allele CA013273.

ClinVar aggregate classification (germline): Uncertain significance. Review status: criteria provided, multiple submitters, no conflicts (2 of 4 stars). 3 submissions from 3 submitters: Uncertain significance (2). 1 of the submissions does not count toward it. Last evaluated 2024-10-31.

Conditions:
Hypertrophic cardiomyopathy. Also called: HYPERTROPHIC MYOCARDIOPATHY. Identifiers: Orphanet 217569, MedGen C0007194, MeSH D002312, MONDO:0005045, HP:0001639.
Left ventricular noncompaction 10 (LVNC10). Identifiers: Orphanet 154, Orphanet 54260, MedGen C3715165, MONDO:0014163, OMIM 615396.
Hypertrophic cardiomyopathy 4. Also called: Familial hypertrophic cardiomyopathy 4. Identifiers: MedGen C1861862, MONDO:0007268, OMIM 115197.

Allele frequency attached by ClinVar (database versions not stated): TOPMed below 0.00001; gnomAD exomes below 0.00001; gnomAD 0.00001.
gnomAD v4.1: 2 of 1,570,688 alleles (0.00013%); highest among the groups gnomAD compares: Non-Finnish European, 0.00017%; no homozygotes.

Submissions (3):

Labcorp Genetics (formerly Invitae), Labcorp
Classification: Uncertain significance for Hypertrophic cardiomyopathy. Last evaluated: 2024-10-31. Review status: criteria provided, single submitter. Criteria: Invitae Variant Classification Sherloc (09022015). Collection method: clinical testing. Allele origin: germline.
Comment: This sequence change replaces glutamine, which is neutral and polar, with arginine, which is basic and polar, at codon 998 of the MYBPC3 protein (p.Gln998Arg). This variant is not present in population databases (gnomAD no frequency). This missense change has been observed in individual(s) with hypertrophic cardiomyopathy (PMID: 15519027, 27532257, 37652022; internal data). ClinVar contains an entry for this variant (Variation ID: 164052). An algorithm developed to predict the effect of missense changes on protein structure and function (PolyPhen-2) suggests that this variant is likely to be disruptive. Algorithms developed to predict the effect of sequence changes on RNA splicing suggest that this variant may disrupt the consensus splice site. In summary, the available evidence is currently insufficient to determine the role of this variant in disease. Therefore, it has been classified as a Variant of Uncertain Significance.

Juno Genomics, Hangzhou Juno Genomics, Inc
Classification: Uncertain significance for Left ventricular noncompaction 10; Hypertrophic cardiomyopathy 4. Review status: criteria provided, single submitter. Criteria: ACMG Guidelines, 2015. Collection method: clinical testing. Allele origin: germline. Affected: yes.
Comment: Absent from controls (or at extremely low frequency if recessive) in Genome Aggregation Database, Exome Sequencing Project, 1000 Genomes Project, or Exome Aggregation Consortium.;Multiple lines of computational evidence support a deleterious effect on the gene or gene product (conservation, evolutionary, splicing impact, etc).;The prevalence of the variant in affected individuals is significantly increased compared to the prevalence in controls.

Laboratory for Molecular Medicine, Mass General Brigham Personalized Medicine
Classification: Uncertain significance. Last evaluated: 2013-02-11. Review status: no assertion criteria provided. Collection method: clinical testing. Allele origin: germline. Observed: 1 variant allele. Not counted in ClinVar's aggregate classification.
Comment: proposed classification - variant undergoing re-assessment, contact laboratory

Literature cited by the submitters: PubMed 15519027 (cited by Labcorp Genetics (formerly Invitae), Labcorp and Laboratory for Molecular Medicine, Mass General Brigham Personalized Medicine); PubMed 27532257 (cited by Labcorp Genetics (formerly Invitae), Labcorp); PubMed 37652022 (cited by Labcorp Genetics (formerly Invitae), Labcorp); PubMed 16352453 (cited by Laboratory for Molecular Medicine, Mass General Brigham Personalized Medicine).